The following is an entry in ClinVar:

ClinVar aggregate classification (germline): Uncertain significance (1 of 4 stars; one submission).

Submission:

CeGaT Center for Human Genetics Tuebingen
Classification: Uncertain significance. Last evaluated: 2026-08-01. Review status: criteria provided, single submitter. Criteria: CeGaT Center For Human Genetics Tuebingen Variant Classification Criteria Version 2. Collection method: clinical testing. Allele origin: germline. Affected: yes. Observed: 1 variant allele.
Comment: MYBPC3: PM2, BP4

NM_000256.3(MYBPC3):c.535G>A (p.Ala179Thr)

Gene: MYBPC3 (myosin binding protein C3; minus strand). Cytogenetic location: 11p11.2.
Variant type: single nucleotide variant.
Coding change: c.535G>A on transcript NM_000256.3 (MANE Select); coding-DNA position 535, G replaced by A.
Protein change: p.Ala179Thr; replaces alanine 179 with threonine.
Molecular consequence: missense variant.
Genome position (GRCh38, 1-based): chr11:47,349,893, C>T on the plus strand (G>A on the coding strand, the complement: MYBPC3 is on the minus strand). VCF-style: chr11-47349893-C-T. GRCh37 (hg19) VCF-style: chr11-47371444-C-T.
Other names: short protein forms A179T.
Identifiers: ClinVar variation 5040554 (VCV005040554.1).